The following is an entry in ClinVar:

NM_000257.4(MYH7):c.3258G>C (p.Glu1086Asp)

Gene: MYH7 (myosin heavy chain 7; minus strand). Cytogenetic location: 14q11.2.
Variant type: single nucleotide variant.
Coding change: c.3258G>C on transcript NM_000257.4 (MANE Select); coding-DNA position 3258, G replaced by C.
Protein change: p.Glu1086Asp; replaces glutamic acid 1086 with aspartic acid.
Molecular consequence: missense variant.
Genome position (GRCh38, 1-based): chr14:23,421,036, C>G on the plus strand (G>C on the coding strand, the complement: MYH7 is on the minus strand). VCF-style: chr14-23421036-C-G. GRCh37 (hg19) VCF-style: chr14-23890245-C-G.
Other names: c.3258G>C, p.Glu1086Asp (NM_001407004.1); short protein forms E1086D.
Identifiers: ClinVar variation 3387320 (VCV003387320.1).
Genomic context (GRCh38, chr14:23,421,036, plus strand): 5'-CTTCTGCAGCTGGCTGCCGAGGGCCTGTTCATCCTCAATCCTTGCGTTGAGAGCATTCAG[C>G]TCAAAGTCTTTTCTGTGGGGAAGGAGGGATGGTGAGGTAAGGGAGACTCGTGGGGCCTCA-3'
Protein context (NP_000248.2, residues 1076-1096): LDERLKKKDF[Glu1086Asp]LNALNARIED

ClinVar aggregate classification (germline): Uncertain significance (1 of 4 stars; one submission).

Conditions:
Cardiomyopathy (CMYO). Also called: Cardiomyopathies. Identifiers: Orphanet 167848, MedGen C0878544, MONDO:0004994, HP:0001638. Inheritance: Various modes of inheritance.

Submission:

All of Us Research Program, National Institutes of Health
Classification: Uncertain significance for Cardiomyopathy. Last evaluated: 2024-09-27. Review status: criteria provided, single submitter. Criteria: ACMG Guidelines, 2015. Collection method: clinical testing. Allele origin: germline. Inheritance: Autosomal dominant inheritance. Observed: 1 variant allele, 1 heterozygote.
Comment: This study involves interpretation of variants in research participants for the purpose of population health screening. Participant phenotype was not available at the time of variant classification. Additional details can be found in publication PMID: 35346344, PMCID: PMC8962531